The following is an entry in ClinVar:

NM_002474.3(MYH11):c.3029A>C (p.Asp1010Ala)

Gene: MYH11 (myosin heavy chain 11; minus strand). Cytogenetic location: 16p13.11.
Variant type: single nucleotide variant.
Coding change: c.3029A>C on transcript NM_002474.3 (MANE Select); coding-DNA position 3029, A replaced by C.
Protein change: p.Asp1010Ala; replaces aspartic acid 1010 with alanine.
Molecular consequence: missense variant.
Genome position (GRCh38, 1-based): chr16:15,738,657, T>G on the plus strand (A>C on the coding strand, the complement: MYH11 is on the minus strand). VCF-style: chr16-15738657-T-G. GRCh37 (hg19) VCF-style: chr16-15832514-T-G.
Other names: c.3050A>C, p.Asp1017Ala (NM_001040113.2, NM_001040114.2); c.3029A>C, p.Asp1010Ala (NM_022844.3); short protein forms D1010A, D1017A.
Identifiers: ClinVar variation 3387204 (VCV003387204.2).
Genomic context (GRCh38, chr16:15,738,657, plus strand): 5'-TTTTTCAGCTTGGTAAGATTCTTGGCCTTTTCTTCCTCTTCTGCAAGATTTGTCGTTAAG[T>G]CACTAATCCTCTCCTCAAGGAGTTTTCGTTCCTTTTTGGGGAAAGAGAAAGAGATAGCTT-3'
Protein context (NP_002465.1, residues 1000-1020): ERKLLEERIS[Asp1010Ala]LTTNLAEEEE

ClinVar aggregate classification (germline): Uncertain significance. Review status: criteria provided, multiple submitters, no conflicts (2 of 4 stars). 2 submissions from 2 submitters: Uncertain significance (2). Last evaluated 2024-08-06.

Conditions:
Familial thoracic aortic aneurysm and aortic dissection (TAAD). Also called: Thoracic aortic aneurysms and dissections. Identifiers: Orphanet 91387, MedGen C4707243, MONDO:0019625.

Submissions (2):

All of Us Research Program, National Institutes of Health
Classification: Uncertain significance for Familial thoracic aortic aneurysm and aortic dissection. Last evaluated: 2024-08-06. Review status: criteria provided, single submitter. Criteria: ACMG Guidelines, 2015. Collection method: clinical testing. Allele origin: germline. Inheritance: Autosomal dominant inheritance. Observed: 2 variant alleles, 2 heterozygotes.
Comment: This missense variant replaces aspartic acid with alanine at codon 1017 of the MYH11 protein. Computational prediction is inconclusive regarding the impact of this variant on protein structure and function (internally defined REVEL score threshold 0.5 < inconclusive < 0.7, PMID: 27666373). To our knowledge, functional studies have not been reported for this variant. This variant has not been reported in individuals affected with MYH11-related disorders in the literature. This variant has not been identified in the general population by the Genome Aggregation Database (gnomAD). The available evidence is insufficient to determine the role of this variant in disease conclusively. Therefore, this variant is classified as a Variant of Uncertain Significance.

This study involves interpretation of variants in research participants for the purpose of population health screening. Participant phenotype was not available at the time of variant classification. Additional details can be found in publication PMID: 35346344, PMCID: PMC8962531

Color Diagnostics, LLC DBA Color Health
Classification: Uncertain significance for Familial thoracic aortic aneurysm and aortic dissection. Last evaluated: 2024-02-14. Review status: criteria provided, single submitter. Criteria: ACMG Guidelines, 2015. Collection method: clinical testing. Allele origin: germline.
Comment: This missense variant replaces aspartic acid with alanine at codon 1017 of the MYH11 protein. Computational prediction is inconclusive regarding the impact of this variant on protein structure and function. To our knowledge, functional studies have not been reported for this variant. This variant has not been reported in individuals affected with MYH11-related disorders in the literature. This variant has not been identified in the general population by the Genome Aggregation Database (gnomAD). The available evidence is insufficient to determine the role of this variant in disease conclusively. Therefore, this variant is classified as a Variant of Uncertain Significance.